The following is an entry in ClinVar:

NM_001563.4(IMPG1):c.1590del (p.Ser531fs)

Gene: IMPG1 (interphotoreceptor matrix proteoglycan 1; minus strand). Cytogenetic location: 6q14.1.
Variant type: Deletion.
Coding change: c.1590del on transcript NM_001563.4 (MANE Select); coding-DNA position 1590, one base deleted (A; older notation c.1590delA).
Protein change: p.Ser531fs; shifts the reading frame from serine 531.
Molecular consequence: frameshift variant.
Genome position (GRCh38, 1-based): chr6:75,950,796, T deleted on the plus strand (A on the coding strand, the reverse complement: IMPG1 is on the minus strand). VCF-style (leftmost placement, unchanged base first): chr6-75950795-AT-A. GRCh37 (hg19) VCF-style: chr6-76660512-AT-A.
Other names: c.1356del, p.Ser453fs (NM_001282368.2); short protein forms S453fs, S531fs.
Identifiers: ClinVar variation 2695221 (VCV002695221.3), dbSNP rs2535897568, ClinGen allele CA2697553601.

ClinVar aggregate classification (germline): Pathogenic (1 of 4 stars; one submission).

Submission:

Labcorp Genetics (formerly Invitae), Labcorp
Classification: Pathogenic. Last evaluated: 2023-11-19. Review status: criteria provided, single submitter. Criteria: Invitae Variant Classification Sherloc (09022015). Collection method: clinical testing. Allele origin: germline.
Comment: This sequence change creates a premature translational stop signal (p.Ser531Leufs*34) in the IMPG1 gene. It is expected to result in an absent or disrupted protein product. Loss-of-function variants in IMPG1 are known to be pathogenic (PMID: 23993198). This variant is not present in population databases (gnomAD no frequency). This variant has not been reported in the literature in individuals affected with IMPG1-related conditions. For these reasons, this variant has been classified as Pathogenic.

Literature cited by the submitters: PubMed 23993198.